The following is an entry in ClinVar:

ClinVar aggregate classification (germline): Pathogenic/Likely pathogenic. Review status: criteria provided, multiple submitters, no conflicts (2 of 4 stars). 2 submissions from 2 submitters: Pathogenic (1); Likely pathogenic (1). Last evaluated 2021-09-05.

Conditions:
Deficiency of alpha-mannosidase (MANSA). Also called: Mannosidosis, alpha-, types I and II; Alpha-Mannosidosis; LYSOSOMAL ALPHA-D-MANNOSIDASE DEFICIENCY. Identifiers: Orphanet 61, MedGen C0024748, MONDO:0009561, OMIM 248500.

Submissions (2):

Genome-Nilou Lab
Classification: Likely pathogenic for Deficiency of alpha-mannosidase. Last evaluated: 2021-09-05. Review status: criteria provided, single submitter. Criteria: ACMG Guidelines, 2015. Collection method: clinical testing. Allele origin: germline. Affected: no.

Labcorp Genetics (formerly Invitae), Labcorp
Classification: Pathogenic for Deficiency of alpha-mannosidase. Last evaluated: 2019-08-20. Review status: criteria provided, single submitter. Criteria: Invitae Variant Classification Sherloc (09022015). Collection method: clinical testing. Allele origin: germline.
Comment: This sequence change creates a premature translational stop signal (p.Tyr428*) in the MAN2B1 gene. It is expected to result in an absent or disrupted protein product. This variant is not present in population databases (ExAC no frequency). This variant has not been reported in the literature in individuals with MAN2B1-related conditions. Algorithms developed to predict the effect of sequence changes on RNA splicing suggest that this variant may create or strengthen a splice site, but this prediction has not been confirmed by published transcriptional studies. Loss-of-function variants in MAN2B1 are known to be pathogenic (PMID: 9915946, 22161967). For these reasons, this variant has been classified as Pathogenic.

Literature cited by the submitters: PubMed 9915946 (cited by Labcorp Genetics (formerly Invitae), Labcorp); PubMed 22161967 (cited by Labcorp Genetics (formerly Invitae), Labcorp).

NM_000528.4(MAN2B1):c.1284T>G (p.Tyr428Ter)

Gene: MAN2B1 (mannosidase alpha class 2B member 1; minus strand). Cytogenetic location: 19p13.13.
Variant type: single nucleotide variant.
Coding change: c.1284T>G on transcript NM_000528.4 (MANE Select); coding-DNA position 1284, T replaced by G.
Protein change: p.Tyr428Ter; replaces tyrosine 428 with a stop codon.
Molecular consequence: nonsense.
Genome position (GRCh38, 1-based): chr19:12,658,088, A>C on the plus strand (T>G on the coding strand, the complement: MAN2B1 is on the minus strand). VCF-style: chr19-12658088-A-C. GRCh37 (hg19) VCF-style: chr19-12768902-A-C.
Other names: c.1281T>G, p.Tyr427Ter (NM_001173498.2); short protein forms Y427*, Y428*.
Identifiers: ClinVar variation 959032 (VCV000959032.9), dbSNP rs2024014272, ClinGen allele CA404247369.